The following is an entry in ClinVar:

NM_007294.4(BRCA1):c.4112G>A (p.Gly1371Glu)

Gene: BRCA1 (BRCA1 DNA repair associated; minus strand). Cytogenetic location: 17q21.31.
Variant type: single nucleotide variant.
Coding change: c.4112G>A on transcript NM_007294.4 (MANE Select); coding-DNA position 4112, G replaced by A.
Protein change: p.Gly1371Glu; replaces glycine 1371 with glutamic acid.
Molecular consequence: missense variant.
Genome position (GRCh38, 1-based): chr17:43,091,017, C>T on the plus strand (G>A on the coding strand, the complement: BRCA1 is on the minus strand). VCF-style: chr17-43091017-C-T. GRCh37 (hg19) VCF-style: chr17-41243034-C-T.
Other names: c.536G>A, p.Gly179Glu (NM_001408505.1, NM_001408503.1, NM_001408504.1); c.476G>A, p.Gly159Glu (NM_001408506.1, NM_001408507.1); c.467G>A, p.Gly156Glu (NM_001408508.1, NM_001408509.1); c.422G>A, p.Gly141Glu (NM_001408510.1); c.419G>A, p.Gly140Glu (NM_001408511.1); c.299G>A, p.Gly100Glu (NM_001408512.1); c.593G>A, p.Gly198Glu (NM_001408513.1, NM_001408514.1, NM_001408478.1 and 9 more transcripts); c.3971G>A, p.Gly1324Glu (NM_007297.4, NM_001407850.1, NM_001407851.1 and 29 more transcripts); and 41 more; short protein forms G100E, G1075E, G1260E, G1304E, G1324E, G1345E, G1368E, G140E.
Identifiers: ClinVar variation 5033215 (VCV005033215.1).

ClinVar aggregate classification (germline): Uncertain significance (1 of 4 stars; one submission).

Conditions:
Hereditary cancer-predisposing syndrome. Also called: Neoplastic Syndromes, Hereditary; Tumor predisposition; Hereditary neoplastic syndrome; Hereditary Cancer Syndrome. Identifiers: Orphanet 140162, MedGen C0027672, MeSH D009386, MONDO:0015356.

Submission:

Ambry Genetics
Classification: Uncertain significance for Hereditary cancer-predisposing syndrome. Last evaluated: 2026-09-10. Review status: criteria provided, single submitter. Criteria: Ambry Variant Classification Scheme 2023. Collection method: clinical testing. Allele origin: germline.
Comment: The p.G1371E variant (also known as c.4112G>A), located in coding exon 10 of the BRCA1 gene, results from a G to A substitution at nucleotide position 4112. The glycine at codon 1371 is replaced by glutamic acid, an amino acid with similar properties. This amino acid position is not well conserved in available vertebrate species, and glutamic acid is the reference amino acid in other vertebrate species. In addition, the in silico prediction for this alteration is inconclusive. Based on the available evidence, the clinical significance of this variant remains unclear.